The following is an entry in ClinVar:

ClinVar aggregate classification (germline): Conflicting classifications of pathogenicity. Review status: criteria provided, conflicting classifications (1 of 4 stars). 4 submissions from 4 submitters: Uncertain significance (3); Benign (1). Last evaluated 2026-02-24.

Conditions:
Cardiovascular phenotype. Identifiers: MedGen CN230736.
Long QT syndrome (LQTS). Identifiers: MedGen C0023976, MeSH D008133, MONDO:0002442. Disease mechanism: loss of function. Inheritance: Various modes of inheritance.

Allele frequency attached by ClinVar (database versions not stated): TOPMed below 0.00001; gnomAD exomes 0.00001 and 0.00002; gnomAD 0.00002; ExAC 0.00006; ESP Exome Variant Server 0.00008.
gnomAD v4.1: 21 of 1,592,556 alleles (0.0013%); highest among the groups gnomAD compares: Non-Finnish European, 0.0017%; no homozygotes.

Submissions (4):

GeneDx
Classification: Uncertain significance. Last evaluated: 2026-02-24. Review status: criteria provided, single submitter. Criteria: GeneDx Variant Classification Process June 2021. Collection method: clinical testing. Allele origin: germline.
Comment: In silico analysis suggests that this missense variant does not alter protein structure/function; Has not been previously published as pathogenic or benign to our knowledge

Labcorp Genetics (formerly Invitae), Labcorp
Classification: Uncertain significance for Long QT syndrome. Last evaluated: 2025-11-22. Review status: criteria provided, single submitter. Criteria: Invitae Variant Classification Sherloc (09022015). Collection method: clinical testing. Allele origin: germline.
Comment: This sequence change replaces isoleucine, which is neutral and non-polar, with valine, which is neutral and non-polar, at codon 1802 of the CACNA1C protein (p.Ile1802Val). This variant is present in population databases (rs370471203, gnomAD 0.008%). This variant has not been reported in the literature in individuals affected with CACNA1C-related conditions. ClinVar contains an entry for this variant (Variation ID: 1058072). Invitae Evidence Modeling of protein sequence and biophysical properties (such as structural, functional, and spatial information, amino acid conservation, physicochemical variation, residue mobility, and thermodynamic stability) indicates that this missense variant is not expected to disrupt CACNA1C protein function with a negative predictive value of 95%. In summary, the available evidence is currently insufficient to determine the role of this variant in disease. Therefore, it has been classified as a Variant of Uncertain Significance.

Ambry Genetics
Classification: Benign for Cardiovascular phenotype. Last evaluated: 2025-10-06. Review status: criteria provided, single submitter. Criteria: Ambry Variant Classification Scheme 2023. Collection method: clinical testing. Allele origin: germline.

Blueprint Genetics
Classification: Uncertain significance. Last evaluated: 2023-12-20. Review status: criteria provided, single submitter. Criteria: ACMG Guidelines, 2015. Collection method: clinical testing. Allele origin: germline.

NM_000719.7(CACNA1C):c.5404A>G (p.Ile1802Val)

Genes: CACNA1C (calcium voltage-gated channel subunit alpha1 C; plus strand), CACNA1C-AS1 (CACNA1C antisense RNA 1; minus strand). Cytogenetic location: 12p13.33.
Variant type: single nucleotide variant.
Coding change: c.5404A>G on transcript NM_000719.7 (MANE Select); coding-DNA position 5404, A replaced by G.
Protein change: p.Ile1802Val; replaces isoleucine 1802 with valine.
Molecular consequence: missense variant.
Genome position (GRCh38, 1-based): chr12:2,679,756, A>G. VCF-style: chr12-2679756-A-G. GRCh37 (hg19) VCF-style: chr12-2788922-A-G.
Other names: c.5548A>G, p.Ile1850Val (NM_001129827.2, NM_199460.4); c.5527A>G, p.Ile1843Val (NM_001129829.2); c.5404A>G, p.Ile1802Val (NM_001129830.3, NM_001167623.2, NM_001167624.3 and 4 more transcripts); c.5488A>G, p.Ile1830Val (NM_001129831.2); c.5464A>G, p.Ile1822Val (NM_001129832.2); c.5461A>G, p.Ile1821Val (NM_001129833.2, NM_001129834.2, NM_001129835.2); c.5371A>G, p.Ile1791Val (NM_001167625.2, NM_001129846.2); c.5455A>G, p.Ile1819Val (NM_001129836.2); and 4 more; short protein forms I1791V, I1799V, I1802V, I1808V, I1810V, I1819V, I1821V, I1822V.
Identifiers: ClinVar variation 1058072 (VCV001058072.8), dbSNP rs370471203, ClinGen allele CA6389773.